The following is an entry in ClinVar:

ClinVar aggregate classification (germline): Uncertain significance (1 of 4 stars; one submission).

Allele frequency attached by ClinVar (database versions not stated): gnomAD exomes below 0.00001; TOPMed below 0.00001; ExAC 0.00001; gnomAD 0.00001; ESP Exome Variant Server 0.00008.
gnomAD v4.1: 2 of 1,614,078 alleles (0.00012%); highest among the groups gnomAD compares: Non-Finnish European, 0.00017%; no homozygotes.

Submission:

Labcorp Genetics (formerly Invitae), Labcorp
Classification: Uncertain significance. Last evaluated: 2022-06-27. Review status: criteria provided, single submitter. Criteria: Invitae Variant Classification Sherloc (09022015). Collection method: clinical testing. Allele origin: germline.
Comment: This variant is present in population databases (rs375462534, gnomAD 0.0009%). This sequence change replaces glutamine with arginine at codon 69 of the POLR1A protein (p.Gln69Arg). The glutamine residue is highly conserved and there is a small physicochemical difference between glutamine and arginine. This variant has not been reported in the literature in individuals affected with POLR1A-related conditions. In summary, the available evidence is currently insufficient to determine the role of this variant in disease. Therefore, it has been classified as a Variant of Uncertain Significance. Algorithms developed to predict the effect of missense changes on protein structure and function are either unavailable or do not agree on the potential impact of this missense change (SIFT: "Not Available"; PolyPhen-2: "Possibly Damaging"; Align-GVGD: "Not Available").

NM_015425.6(POLR1A):c.206A>G (p.Gln69Arg)

Gene: POLR1A (RNA polymerase I subunit A; minus strand). Cytogenetic location: 2p11.2.
Variant type: single nucleotide variant.
Coding change: c.206A>G on transcript NM_015425.6 (MANE Select); coding-DNA position 206, A replaced by G.
Protein change: p.Gln69Arg; replaces glutamine 69 with arginine.
Molecular consequence: missense variant.
Genome position (GRCh38, 1-based): chr2:86,100,044, T>C on the plus strand (A>G on the coding strand, the complement: POLR1A is on the minus strand). VCF-style: chr2-86100044-T-C. GRCh37 (hg19) VCF-style: chr2-86327167-T-C.
Other names: short protein forms Q69R.
Identifiers: ClinVar variation 1512813 (VCV001512813.6), dbSNP rs375462534, ClinGen allele CA1746718.